The following is an entry in ClinVar:

NM_003482.4(KMT2D):c.13376G>C (p.Gly4459Ala)

Gene: KMT2D (lysine methyltransferase 2D; minus strand). Cytogenetic location: 12q13.12.
Variant type: single nucleotide variant.
Coding change: c.13376G>C on transcript NM_003482.4 (MANE Select); coding-DNA position 13376, G replaced by C.
Protein change: p.Gly4459Ala; replaces glycine 4459 with alanine.
Molecular consequence: missense variant.
Genome position (GRCh38, 1-based): chr12:49,031,329, C>G on the plus strand (G>C on the coding strand, the complement: KMT2D is on the minus strand). VCF-style: chr12-49031329-C-G. GRCh37 (hg19) VCF-style: chr12-49425112-C-G.
Other names: short protein forms G4459A.
Identifiers: ClinVar variation 4801188 (VCV004801188.1).

ClinVar aggregate classification (germline): Uncertain significance (1 of 4 stars; one submission).

Conditions:
Kabuki syndrome. Also called: NIIKAWA-KUROKI SYNDROME; Kabuki make-up syndrome. Identifiers: Orphanet 2322, MedGen C0796004, MONDO:0016512.

gnomAD v4.1: 1 of 1,613,594 alleles (0.000062%); highest among the groups gnomAD compares: South Asian, 0.0011%; no homozygotes.

Submission:

Labcorp Genetics (formerly Invitae), Labcorp
Classification: Uncertain significance for Kabuki syndrome. Last evaluated: 2025-02-26. Review status: criteria provided, single submitter. Criteria: Invitae Variant Classification Sherloc (09022015). Collection method: clinical testing. Allele origin: germline.
Comment: This sequence change replaces glycine, which is neutral and non-polar, with alanine, which is neutral and non-polar, at codon 4459 of the KMT2D protein (p.Gly4459Ala). This variant is not present in population databases (gnomAD no frequency). This variant has not been reported in the literature in individuals affected with KMT2D-related conditions. Invitae Evidence Modeling of protein sequence and biophysical properties (such as structural, functional, and spatial information, amino acid conservation, physicochemical variation, residue mobility, and thermodynamic stability) indicates that this missense variant is not expected to disrupt KMT2D protein function with a negative predictive value of 95%. In summary, the available evidence is currently insufficient to determine the role of this variant in disease. Therefore, it has been classified as a Variant of Uncertain Significance.